The following is an entry in ClinVar:

NM_001946.4(DUSP6):c.306C>A (p.Ser102Arg)

Genes: DUSP6 (dual specificity phosphatase 6; minus strand), POC1B-DUSP6 (POC1B-DUSP6 readthrough; minus strand). Cytogenetic location: 12q21.33.
Variant type: single nucleotide variant.
Coding change: c.306C>A on transcript NM_001946.4 (MANE Select); coding-DNA position 306, C replaced by A.
Protein change: p.Ser102Arg; replaces serine 102 with arginine.
Molecular consequence: missense variant.
Genome position (GRCh38, 1-based): chr12:89,351,734, G>T on the plus strand (C>A on the coding strand, the complement: DUSP6 is on the minus strand). VCF-style: chr12-89351734-G-T. GRCh37 (hg19) VCF-style: chr12-89745511-G-T.
Other names: c.306C>A, p.Ser102Arg (NM_022652.4); short protein forms S102R.
Identifiers: ClinVar variation 1306581 (VCV001306581.2), dbSNP rs2120505327, ClinGen allele CA385989797.

ClinVar aggregate classification (germline): Uncertain significance (1 of 4 stars; one submission).

Submission:

GeneDx
Classification: Uncertain significance. Last evaluated: 2019-06-20. Review status: criteria provided, single submitter. Criteria: GeneDx Variant Classification Process June 2021. Collection method: clinical testing. Allele origin: germline. Affected: yes.
Comment: Not observed in large population cohorts (Lek et al., 2016); In silico analysis, which includes protein predictors and evolutionary conservation, supports a deleterious effect; Has not been previously published as pathogenic or benign to our knowledge